The following is an entry in ClinVar:

ClinVar aggregate classification (germline): Uncertain significance. Review status: criteria provided, multiple submitters, no conflicts (2 of 4 stars). 4 submissions from 4 submitters: Uncertain significance (4). Last evaluated 2024-06-18.

Conditions:
Acute febrile neutrophilic dermatosis (AFND). Also called: Gomm Button disease; Sweet Syndrome. Identifiers: Orphanet 3243, MedGen C0085077, MONDO:0011959, OMIM 608068.
Familial Mediterranean fever (FMF). Also called: POLYSEROSITIS, FAMILIAL PAROXYSMAL; POLYSEROSITIS, RECURRENT; Periodic peritonitis; Benign paroxysmal peritonitis. Identifiers: Orphanet 342, MedGen C0031069, MONDO:0018088, OMIM 249100. Disease mechanism: gain of function.
Familial Mediterranean fever, autosomal dominant. Also called: FMF, AUTOSOMAL DOMINANT; Dominant Familial Mediterranean Fever. Identifiers: Orphanet 342, MedGen C1851347, MONDO:0007601, OMIM 134610.

Allele frequency attached by ClinVar (database versions not stated): ExAC 0.00003; gnomAD 0.00003; TOPMed 0.00003.
gnomAD v4.1: 32 of 1,614,140 alleles (0.002%); highest among the groups gnomAD compares: Non-Finnish European, 0.0025%; no homozygotes.

Submissions (4):

Fulgent Genetics
Classification: Uncertain significance for Familial Mediterranean fever, autosomal dominant; Familial Mediterranean fever; Acute febrile neutrophilic dermatosis. Last evaluated: 2024-06-18. Review status: criteria provided, single submitter. Criteria: ACMG Guidelines, 2015. Collection method: clinical testing. Allele origin: germline.

Blueprint Genetics
Classification: Uncertain significance. Last evaluated: 2023-12-13. Review status: criteria provided, single submitter. Criteria: ACMG Guidelines, 2015. Collection method: clinical testing. Allele origin: germline.

Labcorp Genetics (formerly Invitae), Labcorp
Classification: Uncertain significance for Familial Mediterranean fever. Last evaluated: 2022-06-08. Review status: criteria provided, single submitter. Criteria: Invitae Variant Classification Sherloc (09022015). Collection method: clinical testing. Allele origin: germline.
Comment: This sequence change replaces arginine, which is basic and polar, with glutamine, which is neutral and polar, at codon 278 of the MEFV protein (p.Arg278Gln). This variant is present in population databases (rs104895187, gnomAD 0.004%). This variant has not been reported in the literature in individuals affected with MEFV-related conditions. ClinVar contains an entry for this variant (Variation ID: 1209628). Algorithms developed to predict the effect of missense changes on protein structure and function output the following: SIFT: "Tolerated"; PolyPhen-2: "Benign"; Align-GVGD: "Class C0". The glutamine amino acid residue is found in multiple mammalian species, which suggests that this missense change does not adversely affect protein function. In summary, the available evidence is currently insufficient to determine the role of this variant in disease. Therefore, it has been classified as a Variant of Uncertain Significance.

Genome-Nilou Lab
Classification: Uncertain significance for Familial Mediterranean fever. Last evaluated: 2021-07-14. Review status: criteria provided, single submitter. Criteria: ACMG Guidelines, 2015. Collection method: clinical testing. Allele origin: germline. Affected: no.

NM_000243.3(MEFV):c.833G>A (p.Arg278Gln)

Gene: MEFV (MEFV innate immunity regulator, pyrin; minus strand). Cytogenetic location: 16p13.3.
Variant type: single nucleotide variant.
Coding change: c.833G>A on transcript NM_000243.3 (MANE Select); coding-DNA position 833, G replaced by A.
Protein change: p.Arg278Gln; replaces arginine 278 with glutamine.
Molecular consequence: missense variant. On other transcripts: intron variant (1).
Genome position (GRCh38, 1-based): chr16:3,254,235, C>T on the plus strand (G>A on the coding strand, the complement: MEFV is on the minus strand). VCF-style: chr16-3254235-C-T. GRCh37 (hg19) VCF-style: chr16-3304235-C-T.
Other names: c.277+2076G>A (NM_001198536.2); short protein forms R278Q.
Identifiers: ClinVar variation 1209628 (VCV001209628.7), dbSNP rs104895187, ClinGen allele CA7860316.